The following is an entry in ClinVar:

NM_001146262.4(SYT14):c.202A>G (p.Arg68Gly)

Gene: SYT14 (synaptotagmin 14; plus strand). Cytogenetic location: 1q32.2.
Variant type: single nucleotide variant.
Coding change: c.202A>G on transcript NM_001146262.4 (MANE Select); coding-DNA position 202, A replaced by G.
Protein change: p.Arg68Gly; replaces arginine 68 with glycine.
Molecular consequence: missense variant. On other transcripts: 5 prime UTR variant (2), non-coding transcript variant (1).
Genome position (GRCh38, 1-based): chr1:210,013,773, A>G. VCF-style: chr1-210013773-A-G. GRCh37 (hg19) VCF-style: chr1-210187118-A-G.
Other names: c.337A>G, p.Arg113Gly (NM_001146261.4, NM_001146264.4); c.88A>G, p.Arg30Gly (NM_001256006.3); c.-848A>G (NM_001397544.1, NM_001397545.1); c.202A>G, p.Arg68Gly (NM_153262.5); short protein forms R113G, R68G, R30G.
Identifiers: ClinVar variation 448642 (VCV000448642.48), dbSNP rs149170280, ClinGen allele CA1378205.
Genomic context (GRCh38, chr1:210,013,773, plus strand): 5'-AAGAAGTTCTGTTTTGAAAATGTTGGCGGGTTTCCAGATCTTGGTTCAGAATACAGTACA[A>G]GGAAGAATTCACAAGATAAAATTTGTAAGTATCGTATTGCTGCTTCTCTTGTTTGTTCTT-3'
Protein context (NP_001139734.1, residues 58-78): FPDLGSEYST[Arg68Gly]KNSQDKIYNS

ClinVar aggregate classification (germline): Uncertain significance. Review status: criteria provided, multiple submitters, no conflicts (2 of 4 stars). 3 submissions from 3 submitters: Uncertain significance (3). Last evaluated 2024-09-09.

Allele frequency attached by ClinVar (database versions not stated): gnomAD exomes 0.00032 and 0.00080; TOPMed 0.00040; gnomAD 0.00042; ESP Exome Variant Server 0.00046; ExAC 0.00029.
gnomAD v4.1: 1,255 of 1,612,266 alleles (0.078%); highest among the groups gnomAD compares: Non-Finnish European, 0.099%; 1 homozygote.

Submissions (3):

Ambry Genetics
Classification: Uncertain significance. Last evaluated: 2024-09-09. Review status: criteria provided, single submitter. Criteria: Ambry Variant Classification Scheme 2023. Collection method: clinical testing. Allele origin: germline.

Athena Diagnostics
Classification: Uncertain significance. Last evaluated: 2024-05-21. Review status: criteria provided, single submitter. Criteria: Athena Diagnostics Criteria. Collection method: clinical testing. Allele origin: unknown.
Comment: Available data are insufficient to determine the clinical significance of the variant at this time. The frequency of this variant in the general population is higher than would generally be expected for pathogenic variants in this gene. Polyphen and MutationTaster predict this amino acid change may be benign.

CeGaT Center for Human Genetics Tuebingen
Classification: Uncertain significance. Last evaluated: 2019-10-01. Review status: criteria provided, single submitter. Criteria: CeGaT Center For Human Genetics Tuebingen Variant Classification Criteria Version 2. Collection method: clinical testing. Allele origin: germline. Affected: yes. Observed: 1 variant allele.

Literature cited by the submitters: PubMed 29590070 (cited by Athena Diagnostics).